The following is an entry in ClinVar:

ClinVar aggregate classification (germline): Uncertain significance. Review status: criteria provided, multiple submitters, no conflicts (2 of 4 stars). 2 submissions from 2 submitters: Uncertain significance (2). Last evaluated 2025-10-23.

Conditions:
Charcot-Marie-Tooth disease type 2. Also called: Charcot-Marie-Tooth type 2. Identifiers: Orphanet 64746, MedGen C0270914, MONDO:0018993.

Allele frequency attached by ClinVar (database versions not stated): gnomAD 0.00001; gnomAD exomes 0.00006; 1000 Genomes Project 30x 0.00031; ExAC 0.00002; TOPMed 0.00001; 1000 Genomes Project 0.00020.
gnomAD v4.1: 93 of 1,614,026 alleles (0.0058%); highest among the groups gnomAD compares: Non-Finnish European, 0.0076%; no homozygotes.

Submissions (2):

Labcorp Genetics (formerly Invitae), Labcorp
Classification: Uncertain significance for Charcot-Marie-Tooth disease type 2. Last evaluated: 2025-10-23. Review status: criteria provided, single submitter. Criteria: Invitae Variant Classification Sherloc (09022015). Collection method: clinical testing. Allele origin: germline.
Comment: This sequence change replaces arginine, which is basic and polar, with histidine, which is basic and polar, at codon 1438 of the KIF1B protein (p.Arg1438His). This variant is present in population databases (rs200868716, gnomAD 0.004%). This variant has not been reported in the literature in individuals affected with KIF1B-related conditions. ClinVar contains an entry for this variant (Variation ID: 1739647). An algorithm developed to predict the effect of missense changes on protein structure and function (PolyPhen-2) suggests that this variant is likely to be disruptive. In summary, the available evidence is currently insufficient to determine the role of this variant in disease. Therefore, it has been classified as a Variant of Uncertain Significance.

Ambry Genetics
Classification: Uncertain significance. Last evaluated: 2025-09-01. Review status: criteria provided, single submitter. Criteria: Ambry Variant Classification Scheme 2023. Collection method: clinical testing. Allele origin: germline.

NM_001365951.3(KIF1B):c.4451G>A (p.Arg1484His)

Gene: KIF1B (kinesin family member 1B; plus strand). Cytogenetic location: 1p36.22.
Variant type: single nucleotide variant.
Coding change: c.4451G>A on transcript NM_001365951.3 (MANE Select); coding-DNA position 4451, G replaced by A.
Protein change: p.Arg1484His; replaces arginine 1484 with histidine.
Molecular consequence: missense variant.
Genome position (GRCh38, 1-based): chr1:10,365,184, G>A. VCF-style: chr1-10365184-G-A. GRCh37 (hg19) VCF-style: chr1-10425242-G-A.
Other names: c.4451G>A, p.Arg1484His (NM_001365952.1); c.4313G>A, p.Arg1438His (NM_015074.3); short protein forms R1438H, R1484H.
Identifiers: ClinVar variation 1739647 (VCV001739647.9), dbSNP rs200868716, ClinGen allele CA582081.